The following is an entry in ClinVar:

NM_001122630.2(CDKN1C):c.786del (p.Asp263fs)

Gene: CDKN1C (cyclin dependent kinase inhibitor 1C; minus strand). Cytogenetic location: 11p15.4.
Variant type: Deletion.
Coding change: c.786del on transcript NM_001122630.2 (MANE Select); coding-DNA position 786, one base deleted (C; older notation c.786delC).
Protein change: p.Asp263fs; shifts the reading frame from aspartic acid 263.
Molecular consequence: frameshift variant. On other transcripts: intron variant (1).
Genome position (GRCh38, 1-based): chr11:2,884,671, G deleted on the plus strand (C on the coding strand, the reverse complement: CDKN1C is on the minus strand); the first of 2 consecutive G bases (chr11:2,884,671-2,884,672); deleting either gives the same sequence. VCF-style (leftmost placement, unchanged base first): chr11-2884670-CG-C. GRCh37 (hg19) VCF-style: chr11-2905900-CG-C.
Other names: c.819del, p.Asp274fs (NM_000076.2, NM_001362474.2); c.786del, p.Asp263fs (NM_001122631.2); c.255+531del (NM_001362475.2); short protein forms D263fs, D274fs.
Identifiers: ClinVar variation 850698 (VCV000850698.9), dbSNP rs1848914894, ClinGen allele CA916081622.
Genomic context (GRCh38, chr11:2,884,670, plus strand): 5'-ACCGGCCGGCCGGACAAAGCGGGGCCGGGCCGGGCCGGGGCGGGGCCGTGCGGGGCTCAC[CG>C]GAGATCAGAGGCCCGGACAGCTTCTTGATCGCCGCGCCGTTGGCGCTGGCGGCCGCGGTG-3'

ClinVar aggregate classification (germline): Likely pathogenic (1 of 4 stars; one submission).

Conditions:
Beckwith-Wiedemann syndrome (BWS). Also called: EMG SYNDROME; Exomphalos macroglossia gigantism syndrome. Identifiers: Orphanet 116, MedGen C0004903, MONDO:0007534, OMIM 130650.

Submission:

Labcorp Genetics (formerly Invitae), Labcorp
Classification: Likely pathogenic for Beckwith-Wiedemann syndrome. Last evaluated: 2019-12-04. Review status: criteria provided, single submitter. Criteria: Invitae Variant Classification Sherloc (09022015). Collection method: clinical testing. Allele origin: germline.
Comment: This variant disrupts the C-terminus of the CDKN1C protein. Other variant(s) that disrupt this region (p.Ser282) have been observed in individuals with CDKN1C-related conditions (PMID: 19386358, 10424811). This suggests that this may be a clinically significant region of the protein. In summary, the currently available evidence indicates that the variant is pathogenic, but additional data are needed to prove that conclusively. Therefore, this variant has been classified as Likely Pathogenic. Algorithms developed to predict the effect of sequence changes on RNA splicing suggest that this variant is not likely to affect RNA splicing, but this prediction has not been confirmed by published transcriptional studies. This variant has not been reported in the literature in individuals with CDKN1C-related conditions. This variant is not present in population databases (ExAC no frequency). This sequence change results in a frameshift in the CDKN1C gene (p.Asp274Ilefs*47). While this is not anticipated to result in nonsense mediated decay, it is expected to disrupt the last 43 amino acids of the CDKN1C protein and extend the protein by an additional 4 amino acids.

Literature cited by the submitters: PubMed 19386358; PubMed 10424811.